The following is an entry in ClinVar:

NM_001378120.1(MBD5):c.2725C>T (p.His909Tyr)

Gene: MBD5 (methyl-CpG binding domain protein 5; plus strand). Cytogenetic location: 2q23.1.
Variant type: single nucleotide variant.
Coding change: c.2725C>T on transcript NM_001378120.1 (MANE Select); coding-DNA position 2725, C replaced by T.
Protein change: p.His909Tyr; replaces histidine 909 with tyrosine.
Molecular consequence: missense variant.
Genome position (GRCh38, 1-based): chr2:148,483,316, C>T. VCF-style: chr2-148483316-C-T. GRCh37 (hg19) VCF-style: chr2-149240885-C-T.
Other names: c.2725C>T, p.His909Tyr (NM_018328.5); short protein forms H909Y.
Identifiers: ClinVar variation 2734196 (VCV002734196.3), dbSNP rs747447962, ClinGen allele CA1900207.

ClinVar aggregate classification (germline): Uncertain significance (1 of 4 stars; one submission).

Conditions:
Intellectual developmental disorder, autosomal dominant 1. Also called: Intellectual disability, autosomal dominant 1; MBD5 Haploinsufficiency. Identifiers: Orphanet 228402, MedGen C1969562, MONDO:0007974, OMIM 156200.

Allele frequency attached by ClinVar (database versions not stated): ExAC 0.00001; gnomAD 0.00001.
gnomAD v4.1: 17 of 1,613,974 alleles (0.0011%); highest among the groups gnomAD compares: East Asian, 0.036%; no homozygotes.

Submission:

Labcorp Genetics (formerly Invitae), Labcorp
Classification: Uncertain significance for Intellectual developmental disorder, autosomal dominant 1. Last evaluated: 2024-10-24. Review status: criteria provided, single submitter. Criteria: Invitae Variant Classification Sherloc (09022015). Collection method: clinical testing. Allele origin: germline.
Comment: This sequence change replaces histidine, which is basic and polar, with tyrosine, which is neutral and polar, at codon 909 of the MBD5 protein (p.His909Tyr). This variant is present in population databases (rs747447962, gnomAD 0.006%). This variant has not been reported in the literature in individuals affected with MBD5-related conditions. Invitae Evidence Modeling of protein sequence and biophysical properties (such as structural, functional, and spatial information, amino acid conservation, physicochemical variation, residue mobility, and thermodynamic stability) indicates that this missense variant is not expected to disrupt MBD5 protein function with a negative predictive value of 80%. In summary, the available evidence is currently insufficient to determine the role of this variant in disease. Therefore, it has been classified as a Variant of Uncertain Significance.